The following is an entry in ClinVar:

NM_020964.3(EPG5):c.6622-15_6622-7dup

Gene: EPG5 (ectopic P-granules 5 autophagy tethering factor; minus strand). Cytogenetic location: 18q12.3.
Variant type: Duplication.
Coding change: c.6622-15_6622-7dup on transcript NM_020964.3 (MANE Select); 15 bases into the intron before coding-DNA position 6622 through 7 bases into the intron before coding-DNA position 6622, 9 bases duplicated (TTTTTTTTT; older notation c.6622-15_6622-7dupTTTTTTTTT).
Molecular consequence: intron variant.
Genome position (GRCh38, 1-based): chr18:45,865,766-45,865,774, AAAAAAAAA duplicated on the plus strand (TTTTTTTTT on the coding strand, the reverse complement: EPG5 is on the minus strand); duplicating any 9 consecutive bases within chr18:45,865,766-45,865,782 gives the same sequence; the c. name uses the placement nearest the transcript's 3' end. VCF-style (leftmost placement, unchanged base first): chr18-45865765-C-CAAAAAAAAA. GRCh37 (hg19) VCF-style: chr18-43445730-C-CAAAAAAAAA.
Other names: c.6622-15_6622-7dup9 (NM_020964.2).
Identifiers: ClinVar variation 1651997 (VCV001651997.11), dbSNP rs11333207, ClinGen allele CA779742194.
Genomic context (GRCh38, chr18:45,865,765, plus strand): 5'-TGCTGAGGAATTGAACCATCTGATGAGTAAAAGCTTGGCATTTTGGAACTGCATCCTGAC[C>CAAAAAAAAA]AAAAAAAAAAAAAAAAATCATTCAAATGAATCCAAGCAAGGAGTGTTAACTGCATATTTC-3'

ClinVar aggregate classification (germline): Likely benign. Review status: criteria provided, single submitter (1 of 4 stars). 2 submissions from 2 submitters: Likely benign (1). 1 of the submissions does not count toward it. Last evaluated 2025-05-19.

Conditions:
Vici syndrome (VICIS). Identifiers: Orphanet 1493, MedGen C1855772, MONDO:0009452, OMIM 242840.
EPG5-related disorder. Also called: EPG5-related condition. Identifiers: MedGen CN381528.

Submissions (2):

Labcorp Genetics (formerly Invitae), Labcorp
Classification: Likely benign for Vici syndrome. Last evaluated: 2025-05-19. Review status: criteria provided, single submitter. Criteria: Invitae Variant Classification Sherloc (09022015). Collection method: clinical testing. Allele origin: germline.

PreventionGenetics, part of Exact Sciences
Classification: Likely benign for EPG5-related condition. Last evaluated: 2019-06-15. Review status: no assertion criteria provided. Collection method: clinical testing. Allele origin: germline. Not counted in ClinVar's aggregate classification.
Comment: This variant is classified as likely benign based on ACMG/AMP sequence variant interpretation guidelines (Richards et al. 2015 PMID: 25741868, with internal and published modifications).